The following is an entry in ClinVar:

NM_007294.4(BRCA1):c.4185+16G>A

Gene: BRCA1 (BRCA1 DNA repair associated; minus strand). Cytogenetic location: 17q21.31.
Variant type: single nucleotide variant.
Coding change: c.4185+16G>A on transcript NM_007294.4 (MANE Select); 16 bases into the intron after coding-DNA position 4185, G replaced by A.
Molecular consequence: intron variant.
Genome position (GRCh38, 1-based): chr17:43,090,928, C>T on the plus strand (G>A on the coding strand, the complement: BRCA1 is on the minus strand). VCF-style: chr17-43090928-C-T. GRCh37 (hg19) VCF-style: chr17-41242945-C-T.
Other names: c.735+16G>A (NM_001408458.1, NM_001408469.1, NM_001408453.1 and 11 more transcripts); c.3297+16G>A (NM_001407967.1, NM_001407966.1); c.3804+16G>A (NM_001407959.1, NM_001407963.1, NM_001407960.1); c.3918+16G>A (NM_001407931.1, NM_001407932.1, NM_001407934.1 and 2 more transcripts); c.4041+16G>A (NM_001407747.1, NM_001407848.1, NM_001407839.1 and 20 more transcripts); c.3801+16G>A (NM_001407962.1); c.372+16G>A (NM_001408512.1); c.495+16G>A (NM_001408510.1); and 41 more.
Identifiers: ClinVar variation 509366 (VCV000509366.15), dbSNP rs774646943, ClinGen allele CA658798853.

ClinVar aggregate classification (germline): Likely benign. Review status: criteria provided, multiple submitters, no conflicts (2 of 4 stars). 4 submissions from 4 submitters: Likely benign (4). Last evaluated 2022-09-19.

Conditions:
Hereditary cancer-predisposing syndrome. Also called: Hereditary neoplastic syndrome; Hereditary Cancer Syndrome; Neoplastic Syndromes, Hereditary; Tumor predisposition. Identifiers: Orphanet 140162, MedGen C0027672, MeSH D009386, MONDO:0015356.
Hereditary breast ovarian cancer syndrome. Also called: Hereditary breast and ovarian cancer syndrome; Breast and ovarian cancer; BRCA1- and BRCA2-Associated Hereditary Breast and Ovarian Cancer; Hereditary breast and ovarian cancer syndrome (HBOC); Hereditary breast and/or ovarian cancer syndrome; Hereditary breast and ovarian cancer. Identifiers: Orphanet 145, MedGen C0677776, MeSH D061325, MONDO:0003582. Disease mechanism: loss of function.

Submissions (4):

Labcorp Genetics (formerly Invitae), Labcorp
Classification: Likely benign for Hereditary breast ovarian cancer syndrome. Last evaluated: 2022-09-19. Review status: criteria provided, single submitter. Criteria: Invitae Variant Classification Sherloc (09022015). Collection method: clinical testing. Allele origin: germline.

Women's Health and Genetics/Laboratory Corporation of America, LabCorp
Classification: Likely benign. Last evaluated: 2020-06-29. Review status: criteria provided, single submitter. Criteria: LabCorp Variant Classification Summary - May 2015. Collection method: clinical testing. Allele origin: germline.
Comment: Variant summary: BRCA1 c.4185+16G>A alters a conserved nucleotide located close to a canonical splice site and therefore could affect mRNA splicing, leading to a significantly altered protein sequence. 4/4 computational tools predict no significant impact on normal splicing. However, these predictions have yet to be confirmed by functional studies. The variant was absent in 233714 control chromosomes. The available data on variant occurrences in the general population are insufficient to allow any conclusion about variant significance. To our knowledge, no occurrence of c.4185+16G>A in individuals affected with Hereditary Breast And Ovarian Cancer Syndrome and no experimental evidence demonstrating its impact on protein function have been reported. Two clinical diagnostic laboratories have submitted clinical-significance assessments for this variant to ClinVar after 2014 without evidence for independent evaluation. All laboratories classified the variant as likely benign. Based on the evidence outlined above and the emerging consensus among submitters, the variant was classified as likely benign.

Color Diagnostics, LLC DBA Color Health
Classification: Likely benign for Hereditary cancer-predisposing syndrome. Last evaluated: 2019-02-25. Review status: criteria provided, single submitter. Criteria: ACMG Guidelines, 2015. Collection method: clinical testing. Allele origin: germline.

GeneDx
Classification: Likely benign. Last evaluated: 2017-05-02. Review status: criteria provided, single submitter. Criteria: GeneDx Variant Classification (06012015). Collection method: clinical testing. Allele origin: germline. Affected: yes.
Comment: This variant is considered likely benign or benign based on one or more of the following criteria: it is a conservative change, it occurs at a poorly conserved position in the protein, it is predicted to be benign by multiple in silico algorithms, and/or has population frequency not consistent with disease.